The following is an entry in ClinVar:

NM_000094.4(COL7A1):c.1048G>A (p.Val350Met)

Gene: COL7A1 (collagen type VII alpha 1 chain; minus strand). Cytogenetic location: 3p21.31.
Variant type: single nucleotide variant.
Coding change: c.1048G>A on transcript NM_000094.4 (MANE Select); coding-DNA position 1048, G replaced by A.
Protein change: p.Val350Met; replaces valine 350 with methionine.
Molecular consequence: missense variant.
Genome position (GRCh38, 1-based): chr3:48,592,396, C>T on the plus strand (G>A on the coding strand, the complement: COL7A1 is on the minus strand). VCF-style: chr3-48592396-C-T. GRCh37 (hg19) VCF-style: chr3-48629829-C-T.
Other names: short protein forms V350M.
Identifiers: ClinVar variation 2188958 (VCV002188958.3), dbSNP rs1415127222, ClinGen allele CA352738694.

ClinVar aggregate classification (germline): Uncertain significance. Review status: criteria provided, multiple submitters, no conflicts (2 of 4 stars). 2 submissions from 2 submitters: Uncertain significance (2). Last evaluated 2026-04-15.

Conditions:
Inborn genetic diseases. Identifiers: MedGen C0950123, MeSH D030342.

Allele frequency attached by ClinVar (database versions not stated): gnomAD exomes 0.00001; gnomAD 0.00001; TOPMed 0.00001.
gnomAD v4.1: 20 of 1,613,674 alleles (0.0012%); highest among the groups gnomAD compares: Non-Finnish European, 0.0017%; no homozygotes.

Submissions (2):

Ambry Genetics
Classification: Uncertain significance for Inborn genetic diseases. Last evaluated: 2026-04-15. Review status: criteria provided, single submitter. Criteria: Ambry Variant Classification Scheme 2023. Collection method: clinical testing. Allele origin: germline.

Labcorp Genetics (formerly Invitae), Labcorp
Classification: Uncertain significance. Last evaluated: 2025-05-18. Review status: criteria provided, single submitter. Criteria: Invitae Variant Classification Sherloc (09022015). Collection method: clinical testing. Allele origin: germline.
Comment: This sequence change replaces valine, which is neutral and non-polar, with methionine, which is neutral and non-polar, at codon 350 of the COL7A1 protein (p.Val350Met). The frequency data for this variant in the population databases is considered unreliable, as metrics indicate poor data quality at this position in the gnomAD database. This variant has not been reported in the literature in individuals affected with COL7A1-related conditions. ClinVar contains an entry for this variant (Variation ID: 2188958). Invitae Evidence Modeling of protein sequence and biophysical properties (such as structural, functional, and spatial information, amino acid conservation, physicochemical variation, residue mobility, and thermodynamic stability) indicates that this missense variant is not expected to disrupt COL7A1 protein function with a negative predictive value of 95%. In summary, the available evidence is currently insufficient to determine the role of this variant in disease. Therefore, it has been classified as a Variant of Uncertain Significance.